The following is an entry in ClinVar:

ClinVar aggregate classification (germline): Uncertain significance (1 of 4 stars; one submission).

gnomAD v4.1: 1 of 1,612,896 alleles (0.000062%); highest among the groups gnomAD compares: African/African-American, 0.0013%; no homozygotes.

Submission:

Ambry Genetics
Classification: Uncertain significance. Last evaluated: 2025-08-01. Review status: criteria provided, single submitter. Criteria: Ambry Variant Classification Scheme 2023. Collection method: clinical testing. Allele origin: germline.
Comment: The p.N246K variant (also known as c.738C>A), located in coding exon 1 of the MLH3 gene, results from a C to A substitution at nucleotide position 738. The asparagine at codon 246 is replaced by lysine, an amino acid with similar properties. This amino acid position is conserved. In addition, the in silico prediction for this alteration is inconclusive. Based on the available evidence, the clinical significance of this variant remains unclear.

NM_001040108.2(MLH3):c.738C>A (p.Asn246Lys)

Gene: MLH3 (mutL homolog 3; minus strand). Cytogenetic location: 14q24.3.
Variant type: single nucleotide variant.
Coding change: c.738C>A on transcript NM_001040108.2 (MANE Select); coding-DNA position 738, C replaced by A.
Protein change: p.Asn246Lys; replaces asparagine 246 with lysine.
Molecular consequence: missense variant.
Genome position (GRCh38, 1-based): chr14:75,048,918, G>T on the plus strand (C>A on the coding strand, the complement: MLH3 is on the minus strand). VCF-style: chr14-75048918-G-T. GRCh37 (hg19) VCF-style: chr14-75515621-G-T.
Other names: c.738C>A, p.Asn246Lys (NM_014381.3); short protein forms N246K.
Identifiers: ClinVar variation 4108652 (VCV004108652.1).